The following is an entry in ClinVar:

NM_002471.4(MYH6):c.2432A>T (p.Asp811Val)

Gene: MYH6 (myosin heavy chain 6; minus strand). Cytogenetic location: 14q11.2.
Variant type: single nucleotide variant.
Coding change: c.2432A>T on transcript NM_002471.4 (MANE Select); coding-DNA position 2432, A replaced by T.
Protein change: p.Asp811Val; replaces aspartic acid 811 with valine.
Molecular consequence: missense variant.
Genome position (GRCh38, 1-based): chr14:23,394,321, T>A on the plus strand (A>T on the coding strand, the complement: MYH6 is on the minus strand). VCF-style: chr14-23394321-T-A. GRCh37 (hg19) VCF-style: chr14-23863530-T-A.
Other names: short protein forms D811V.
Identifiers: ClinVar variation 1791179 (VCV001791179.3), dbSNP rs2502172590, ClinGen allele CA389014926.
Genomic context (GRCh38, chr14:23,394,321, plus strand): 5'-CAGGGCCAATTCTTGACCCCCATGAAGGCCCGAATGTTCCACTGGATTACCAGCAGGGCA[T>A]CCCTGGCAAGGAAACGTGGAGGCAGGGTGGGGCACTATAAAAGAGAGCTTCCCAATCATG-3'
Protein context (NP_002462.2, residues 801-821): IEFKKIVERR[Asp811Val]ALLVIQWNIR

ClinVar aggregate classification (germline): Uncertain significance. Review status: criteria provided, multiple submitters, no conflicts (2 of 4 stars). 2 submissions from 2 submitters: Uncertain significance (2). Last evaluated 2022-08-08.

Conditions:
Cardiovascular phenotype. Identifiers: MedGen CN230736.

Submissions (2):

GeneDx
Classification: Uncertain significance. Last evaluated: 2022-08-08. Review status: criteria provided, single submitter. Criteria: GeneDx Variant Classification Process June 2021. Collection method: clinical testing. Allele origin: germline. Affected: yes.
Comment: Not observed at significant frequency in large population cohorts (gnomAD); In silico analysis supports that this missense variant has a deleterious effect on protein structure/function; Has not been previously published as pathogenic or benign to our knowledge

Ambry Genetics
Classification: Uncertain significance for Cardiovascular phenotype. Last evaluated: 2021-08-10. Review status: criteria provided, single submitter. Criteria: Ambry Variant Classification Scheme 2023. Collection method: clinical testing. Allele origin: germline.
Comment: The p.D811V variant (also known as c.2432A>T), located in coding exon 19 of the MYH6 gene, results from an A to T substitution at nucleotide position 2432. The aspartic acid at codon 811 is replaced by valine, an amino acid with highly dissimilar properties. This amino acid position is conserved. In addition, this alteration is predicted to be deleterious by in silico analysis. Since supporting evidence is limited at this time, the clinical significance of this alteration remains unclear.